The following is an entry in ClinVar:

NM_001972.4(ELANE):c.157C>G (p.His53Asp)

Gene: ELANE (elastase, neutrophil expressed; plus strand). Cytogenetic location: 19p13.3.
Variant type: single nucleotide variant.
Coding change: c.157C>G on transcript NM_001972.4 (MANE Select); coding-DNA position 157, C replaced by G.
Protein change: p.His53Asp; replaces histidine 53 with aspartic acid.
Molecular consequence: missense variant.
Genome position (GRCh38, 1-based): chr19:852,965, C>G. VCF-style: chr19-852965-C-G. GRCh37 (hg19) VCF-style: chr19-852965-C-G.
Other names: short protein forms H53D.
Identifiers: ClinVar variation 2630360 (VCV002630360.1), dbSNP rs1131691882, ClinGen allele CA402914639.

ClinVar aggregate classification (germline): Likely pathogenic (1 of 4 stars; one submission).

Conditions:
ELANE-related disorder. Also called: ELANE-related condition.

Submission:

PreventionGenetics, part of Exact Sciences
Classification: Likely pathogenic for ELANE-related condition. Last evaluated: 2023-03-01. Review status: criteria provided, single submitter. Criteria: ACMG Guidelines, 2015. Collection method: clinical testing. Allele origin: germline.
Comment: The ELANE c.157C>G variant is predicted to result in the amino acid substitution p.His53Asp. This variant is also described using legacy nomenclature as p.His24Asp, has been reported in an individual with congenital neutropenia (Gogou et al. 2019. PubMed ID: 30775052). Different missense variants in the same codon (p.His53Leu, p.His53Tyr, p.His53Gln, and p.His53Arg) have been reported in individuals with cyclic or congenital neutropenia (Bellanné-Chantelot et al. 2004. PubMed ID: 14962902; Smith et al. 2009. PubMed ID: 19036076; Germeshausen et al. 2013. PubMed ID: 23463630; Dai et al. 2021. PubMed ID: 34134972) suggesting that substitution of amino acid residue p.His53 is not tolerated. This variant has not been reported in a large population database, indicating this variant is rare. This variant is interpreted as likely pathogenic.